The following is an entry in ClinVar:

NM_001130144.3(LTBP3):c.1498G>C (p.Ala500Pro)

Gene: LTBP3 (latent transforming growth factor beta binding protein 3; minus strand). Cytogenetic location: 11q13.1.
Variant type: single nucleotide variant.
Coding change: c.1498G>C on transcript NM_001130144.3 (MANE Select); coding-DNA position 1498, G replaced by C.
Protein change: p.Ala500Pro; replaces alanine 500 with proline.
Molecular consequence: missense variant.
Genome position (GRCh38, 1-based): chr11:65,552,005, C>G on the plus strand (G>C on the coding strand, the complement: LTBP3 is on the minus strand). VCF-style: chr11-65552005-C-G. GRCh37 (hg19) VCF-style: chr11-65319476-C-G.
Other names: p.Ala500Pro; c.1147G>C, p.Ala383Pro (NM_001164266.1); c.1498G>C, p.Ala500Pro (NM_021070.4); short protein forms A383P, A500P.
Identifiers: ClinVar variation 4541637 (VCV004541637.2).
Genomic context (GRCh38, chr11:65,552,005, plus strand): 5'-CAGGGATCAGAAGGGGTCAGGCTAGACCTCTCTCTTCCTCTGTGTCCTCAGGTGGTGGAG[C>G]CTGGCTAGGGCTCTCCGGAAGCTGCTGGGGCTTGGGTGGCCCGTCAGGGTGCAGGAAAAG-3'
Protein context (NP_001123616.1, residues 490-510): PQQLPESPSQ[Ala500Pro]PPPEDTEEER

ClinVar aggregate classification (germline): Uncertain significance. Review status: criteria provided, multiple submitters, no conflicts (2 of 4 stars). 2 submissions from 2 submitters: Uncertain significance (2). Last evaluated 2026-01-18.

Conditions:
Brachyolmia-amelogenesis imperfecta syndrome. Also called: Tooth agenesis, selective, 6; Dental anomalies and short stature; PLATYSPONDYLY WITH AMELOGENESIS IMPERFECTA. Identifiers: Orphanet 2899, MedGen C1832594, MONDO:0011018, OMIM 601216. Disease mechanism: loss of function.

gnomAD v4.1: 14 of 1,613,986 alleles (0.00087%); highest among the groups gnomAD compares: Non-Finnish European, 0.0011%; no homozygotes.

Submissions (2):

Labcorp Genetics (formerly Invitae), Labcorp
Classification: Uncertain significance for Brachyolmia-amelogenesis imperfecta syndrome. Last evaluated: 2026-01-18. Review status: criteria provided, single submitter. Criteria: Invitae Variant Classification Sherloc (09022015). Collection method: clinical testing. Allele origin: germline.
Comment: This sequence change replaces alanine, which is neutral and non-polar, with proline, which is neutral and non-polar, at codon 500 of the LTBP3 protein (p.Ala500Pro). This variant is present in population databases (no rsID available, gnomAD 0.0009%). This variant has not been reported in the literature in individuals affected with LTBP3-related conditions. An algorithm developed to predict the effect of missense changes on protein structure and function (PolyPhen-2) suggests that this variant is likely to be tolerated. In summary, the available evidence is currently insufficient to determine the role of this variant in disease. Therefore, it has been classified as a Variant of Uncertain Significance.

Mayo Clinic Laboratories, Mayo Clinic
Classification: Uncertain significance. Last evaluated: 2025-12-03. Review status: criteria provided, single submitter. Criteria: ACMG Guidelines, 2015. Collection method: clinical testing. Allele origin: germline. Observed: 1 variant allele.
Comment: PM2_supporting